The following is an entry in ClinVar:

NM_000069.3(CACNA1S):c.74C>T (p.Pro25Leu)

Gene: CACNA1S (calcium voltage-gated channel subunit alpha1 S; minus strand). Cytogenetic location: 1q32.1.
Variant type: single nucleotide variant.
Coding change: c.74C>T on transcript NM_000069.3 (MANE Select); coding-DNA position 74, C replaced by T.
Protein change: p.Pro25Leu; replaces proline 25 with leucine.
Molecular consequence: missense variant.
Genome position (GRCh38, 1-based): chr1:201,112,266, G>A on the plus strand (C>T on the coding strand, the complement: CACNA1S is on the minus strand). VCF-style: chr1-201112266-G-A. GRCh37 (hg19) VCF-style: chr1-201081394-G-A.
Other names: short protein forms P25L.
Identifiers: ClinVar variation 3386419 (VCV003386419.1).

ClinVar aggregate classification (germline): Uncertain significance (1 of 4 stars; one submission).

Conditions:
Malignant hyperthermia, susceptibility to, 5 (MHS5). Also called: CACNA1S-Related Malignant Hyperthermia Susceptibility. Identifiers: Orphanet 423, MedGen C1866077, MONDO:0011163, OMIM 601887.

gnomAD v4.1: 1 of 1,614,022 alleles (0.000062%); highest among the groups gnomAD compares: Non-Finnish European, 0.000085%; no homozygotes.

Submission:

All of Us Research Program, National Institutes of Health
Classification: Uncertain significance for Malignant hyperthermia, susceptibility to, 5. Last evaluated: 2024-08-23. Review status: criteria provided, single submitter. Criteria: ACMG Guidelines, 2015. Collection method: clinical testing. Allele origin: germline. Inheritance: Autosomal dominant inheritance. Observed: 1 variant allele, 1 heterozygote.
Comment: This missense variant replaces proline with leucine at codon 25 of the CACNA1S protein. Computational prediction suggests that this variant may not impact protein structure and function (internally defined REVEL score threshold <= 0.5, PMID: 27666373). To our knowledge, functional studies have not been reported for this variant. This variant has not been reported in individuals affected with CACNA1S-related disorders in the literature. This variant has not been identified in the general population by the Genome Aggregation Database (gnomAD). The available evidence is insufficient to determine the role of this variant in disease conclusively. Therefore, this variant is classified as a Variant of Uncertain Significance.

This study involves interpretation of variants in research participants for the purpose of population health screening. Participant phenotype was not available at the time of variant classification. Additional details can be found in publication PMID: 35346344, PMCID: PMC8962531